The following is an entry in ClinVar:

ClinVar aggregate classification (germline): Uncertain significance (1 of 4 stars; one submission).

Submission:

Labcorp Genetics (formerly Invitae), Labcorp
Classification: Uncertain significance. Last evaluated: 2018-02-08. Review status: criteria provided, single submitter. Criteria: Invitae Variant Classification Sherloc (09022015). Collection method: clinical testing. Allele origin: germline.
Comment: In summary, the available evidence is currently insufficient to determine the role of this variant in disease. Therefore, it has been classified as a Variant of Uncertain Significance. Algorithms developed to predict the effect of missense changes on protein structure and function do not agree on the potential impact of this missense change (SIFT: "Deleterious"; PolyPhen-2: "Probably Damaging"; Align-GVGD: "Class C0"). This variant has not been reported in the literature in individuals with OPHN1-related disease. This variant is not present in population databases (ExAC no frequency). This sequence change replaces phenylalanine with leucine at codon 548 of the OPHN1 protein (p.Phe548Leu). The phenylalanine residue is highly conserved and there is a small physicochemical difference between phenylalanine and leucine.

NM_002547.3(OPHN1):c.1644C>G (p.Phe548Leu)

Gene: OPHN1 (oligophrenin 1; minus strand). Cytogenetic location: Xq12.
Variant type: single nucleotide variant.
Coding change: c.1644C>G on transcript NM_002547.3 (MANE Select); coding-DNA position 1644, C replaced by G.
Protein change: p.Phe548Leu; replaces phenylalanine 548 with leucine.
Molecular consequence: missense variant.
Genome position (GRCh38, 1-based): chrX:68,096,912, G>C on the plus strand (C>G on the coding strand, the complement: OPHN1 is on the minus strand). VCF-style: chrX-68096912-G-C. GRCh37 (hg19) VCF-style: chrX-67316754-G-C.
Other names: short protein forms F548L.
Identifiers: ClinVar variation 1060965 (VCV001060965.9), dbSNP rs2147404390, ClinGen allele CA413430642.